The following is an entry in ClinVar:

ClinVar aggregate classification (germline): Likely benign. Review status: criteria provided, multiple submitters, no conflicts (2 of 4 stars). 2 submissions from 2 submitters: Likely benign (2). Last evaluated 2025-03-30.

Conditions:
MFN2-related disorder. Also called: MFN2-related condition; MFN2-related disorders.
Charcot-Marie-Tooth disease type 2. Also called: Charcot-Marie-Tooth type 2. Identifiers: Orphanet 64746, MedGen C0270914, MONDO:0018993.

Allele frequency attached by ClinVar (database versions not stated): gnomAD exomes below 0.00001.
gnomAD v4.1: 4 of 1,614,198 alleles (0.00025%); highest among the groups gnomAD compares: Non-Finnish European, 0.00034%; no homozygotes.

Submissions (2):

PreventionGenetics, part of Exact Sciences
Classification: Likely benign for MFN2-related condition. Last evaluated: 2025-03-30. Review status: criteria provided, single submitter. Criteria: ACMG Guidelines, 2015. Collection method: clinical testing. Allele origin: germline.
Comment: This variant is classified as likely benign based on ACMG/AMP sequence variant interpretation guidelines (Richards et al. 2015 PMID: 25741868, with internal and published modifications).

Labcorp Genetics (formerly Invitae), Labcorp
Classification: Likely benign for Charcot-Marie-Tooth disease type 2. Last evaluated: 2021-09-17. Review status: criteria provided, single submitter. Criteria: Invitae Variant Classification Sherloc (09022015). Collection method: clinical testing. Allele origin: germline.

NM_014874.4(MFN2):c.1251G>T (p.Leu417=)

Gene: MFN2 (mitofusin 2; plus strand). Cytogenetic location: 1p36.22.
Variant type: single nucleotide variant.
Coding change: c.1251G>T on transcript NM_014874.4 (MANE Select); coding-DNA position 1251, G replaced by T.
Protein change: p.Leu417=; no amino-acid change (leucine 417 retained).
Molecular consequence: synonymous variant.
Genome position (GRCh38, 1-based): chr1:12,004,082, G>T. VCF-style: chr1-12004082-G-T. GRCh37 (hg19) VCF-style: chr1-12064139-G-T.
Other names: c.1251G>T, p.Leu417= (NM_001127660.2); c.1251G>T (NM_014874.3).
Identifiers: ClinVar variation 1631448 (VCV001631448.9), dbSNP rs1291955409, ClinGen allele CA416109616.